The following is an entry in ClinVar:

ClinVar aggregate classification (germline): Likely benign (1 of 4 stars; one submission).

Conditions:
Nizon-Isidor syndrome. Identifiers: MedGen C5394350, MONDO:0030030, OMIM 618872.

Submission:

Centre for Medical Genetics,  Mumbai
Classification: Likely benign for Nizon-Isidor syndrome. Last evaluated: 2023-09-21. Review status: criteria provided, single submitter. Criteria: ACMG Guidelines, 2015. Collection method: provider interpretation. Allele origin: germline. Inheritance: Autosomal dominant inheritance. Affected: no. Observed: 1 variant allele, 1 heterozygote.
Comment: The variant satisfies PM2 criteria; Extremely low frequency in gnomAD population databases. The variant satisfies PP2 criteria; Missense variant in a gene with low rate of benign missense mutations and for which missense mutation is a common mechanism of a disease. However, the variant satisfies BS2 criteria.

Literature cited by the submitters: PubMed 31155615.

NM_001393769.1(MED12L):c.4513C>G (p.Leu1505Val)

Genes: MED12L (mediator complex subunit 12L; plus strand), P2RY12 (purinergic receptor P2Y12; minus strand). Cytogenetic location: 3q25.1.
Variant type: single nucleotide variant.
Coding change: c.4513C>G on transcript NM_001393769.1 (MANE Select); coding-DNA position 4513, C replaced by G.
Protein change: p.Leu1505Val; replaces leucine 1505 with valine.
Molecular consequence: missense variant. On other transcripts: intron variant (1).
Genome position (GRCh38, 1-based): chr3:151,380,147, C>G. VCF-style: chr3-151380147-C-G. GRCh37 (hg19) VCF-style: chr3-151097935-C-G.
Other names: c.4408C>G, p.Leu1470Val (NM_053002.6); c.-180+4545G>C (NM_022788.5); short protein forms L1470V, L1505V.
Identifiers: ClinVar variation 4819091 (VCV004819091.1).